The following is an entry in ClinVar:

ClinVar aggregate classification (germline): Conflicting classifications of pathogenicity. Review status: criteria provided, conflicting classifications (1 of 4 stars). 3 submissions from 3 submitters: Uncertain significance (1); Likely benign (1). 1 of the submissions does not count toward it. Last evaluated 2026-09-17.

Conditions:
Inborn genetic diseases. Identifiers: MedGen C0950123, MeSH D030342.
WDR72-related disorder. Also called: WDR72-related condition.

Allele frequency attached by ClinVar (database versions not stated): 1000 Genomes Project 0.00160; ESP Exome Variant Server 0.00247; ExAC 0.00071; TOPMed 0.00286; gnomAD exomes 0.00024; 1000 Genomes Project 30x 0.00141.
gnomAD v4.1: 751 of 1,613,620 alleles (0.047%); highest among the groups gnomAD compares: African/African-American, 0.86%; 2 homozygotes.

Submissions (3):

GeneDx
Classification: Uncertain significance. Last evaluated: 2026-09-17. Review status: criteria provided, single submitter. Criteria: GeneDx Variant Classification Process June 2021. Collection method: clinical testing. Allele origin: germline.
Comment: In silico analysis indicates that this missense variant does not alter protein structure/function; Has not been previously published as pathogenic or benign to our knowledge

Ambry Genetics
Classification: Likely benign for Inborn genetic diseases. Last evaluated: 2025-01-22. Review status: criteria provided, single submitter. Criteria: Ambry Variant Classification Scheme 2023. Collection method: clinical testing. Allele origin: germline.

PreventionGenetics, part of Exact Sciences
Classification: Benign for WDR72-related condition. Last evaluated: 2020-01-03. Review status: no assertion criteria provided. Collection method: clinical testing. Allele origin: germline. Not counted in ClinVar's aggregate classification.
Comment: This variant is classified as benign based on ACMG/AMP sequence variant interpretation guidelines (Richards et al. 2015 PMID: 25741868, with internal and published modifications).

NM_182758.4(WDR72):c.2299A>G (p.Lys767Glu)

Gene: WDR72 (WD repeat domain 72; minus strand). Cytogenetic location: 15q21.3.
Variant type: single nucleotide variant.
Coding change: c.2299A>G on transcript NM_182758.4 (MANE Select); coding-DNA position 2299, A replaced by G.
Protein change: p.Lys767Glu; replaces lysine 767 with glutamic acid.
Molecular consequence: missense variant. On other transcripts: non-coding transcript variant (1).
Genome position (GRCh38, 1-based): chr15:53,615,907, T>C on the plus strand (A>G on the coding strand, the complement: WDR72 is on the minus strand). VCF-style: chr15-53615907-T-C. GRCh37 (hg19) VCF-style: chr15-53908104-T-C.
Other names: c.2299A>G (NM_182758.2); short protein forms K767E.
Identifiers: ClinVar variation 3045728 (VCV003045728.5), dbSNP rs138555114, ClinGen allele CA7570897.
Genomic context (GRCh38, chr15:53,615,907, plus strand): 5'-CTACTTTTCTTGATGGCTTAGGCTGCATTTTTTTGGAGATCTTCATTTTCTTCTGCCTTT[T>C]AATGCCATCATTTTCTTCTGAGAATTTGATGGTATTATCTCCTTGGGCCAGGCTTTCAGT-3'
Protein context (NP_877435.3, residues 757-777): IKFSEENDGI[Lys767Glu]RQKKMKISKK